The following is an entry in ClinVar:

ClinVar aggregate classification (germline): Uncertain significance (1 of 4 stars; one submission).

Conditions:
Congenital muscular hypertrophy-cerebral syndrome (CDLS2). Also called: SMC1A-Related Cornelia de Lange Syndrome; Cornelia de Lange syndrome 2. Identifiers: Orphanet 199, MedGen C1802395, MONDO:0010370, OMIM 300590.

Allele frequency attached by ClinVar (database versions not stated): gnomAD exomes below 0.00001.
gnomAD v4.1: 3 of 1,204,555 alleles (0.00025%); highest among the groups gnomAD compares: South Asian, 0.0053%; no homozygotes.

Submission:

Labcorp Genetics (formerly Invitae), Labcorp
Classification: Uncertain significance for Congenital muscular hypertrophy-cerebral syndrome. Last evaluated: 2022-07-25. Review status: criteria provided, single submitter. Criteria: Invitae Variant Classification Sherloc (09022015). Collection method: clinical testing. Allele origin: germline.
Comment: In summary, the available evidence is currently insufficient to determine the role of this variant in disease. Therefore, it has been classified as a Variant of Uncertain Significance. Algorithms developed to predict the effect of sequence changes on RNA splicing suggest that this variant may create or strengthen a splice site. This variant has not been reported in the literature in individuals affected with SMC1A-related conditions. This variant is not present in population databases (gnomAD no frequency). This sequence change falls in intron 8 of the SMC1A gene. It does not directly change the encoded amino acid sequence of the SMC1A protein.

NM_006306.4(SMC1A):c.1338-4G>C

Gene: SMC1A (structural maintenance of chromosomes 1A; minus strand). Cytogenetic location: Xp11.22.
Variant type: single nucleotide variant.
Coding change: c.1338-4G>C on transcript NM_006306.4 (MANE Select); 4 bases into the intron before coding-DNA position 1338, G replaced by C.
Molecular consequence: intron variant.
Genome position (GRCh38, 1-based): chrX:53,409,273, C>G on the plus strand (G>C on the coding strand, the complement: SMC1A is on the minus strand). VCF-style: chrX-53409273-C-G. GRCh37 (hg19) VCF-style: chrX-53436204-C-G.
Other names: c.1272-4G>C (NM_001281463.1).
Identifiers: ClinVar variation 2102610 (VCV002102610.4), dbSNP rs2146602390, ClinGen allele CA2580101214.